The following is an entry in ClinVar:

NM_006914.4(RORB):c.1224+1G>T

Gene: RORB (RAR related orphan receptor B; plus strand). Cytogenetic location: 9q21.13.
Variant type: single nucleotide variant.
Coding change: c.1224+1G>T on transcript NM_006914.4 (MANE Select); the canonical splice donor site of the intron after coding-DNA position 1224, G replaced by T.
Molecular consequence: splice donor variant.
Genome position (GRCh38, 1-based): chr9:74,671,902, G>T. VCF-style: chr9-74671902-G-T. GRCh37 (hg19) VCF-style: chr9-77286818-G-T.
Other names: c.1257+1G>T (NM_001365023.1).
Identifiers: ClinVar variation 3901197 (VCV003901197.1).

ClinVar aggregate classification (germline): Likely pathogenic (1 of 4 stars; one submission).

Conditions:
Epilepsy, idiopathic generalized, susceptibility to, 15 (EIG15). Identifiers: MedGen C5193050, MONDO:0032699, OMIM 618357.

Submission:

Institute of Human Genetics, University of Leipzig Medical Center
Classification: Likely pathogenic for Epilepsy, idiopathic generalized, susceptibility to, 15. Last evaluated: 2025-04-03. Review status: criteria provided, single submitter. Criteria: ACMG Guidelines, 2015. Collection method: clinical testing. Allele origin: maternal. Inheritance: Autosomal dominant inheritance. Affected: yes.
Comment: Criteria applied: PVS1_STR,PM2